The following is an entry in ClinVar:

ClinVar aggregate classification (germline): Likely benign. Review status: criteria provided, multiple submitters, no conflicts (2 of 4 stars). 3 submissions from 3 submitters: Likely benign (3). Last evaluated 2025-11-15.

Conditions:
Hereditary cancer-predisposing syndrome. Also called: Neoplastic Syndromes, Hereditary; Hereditary Cancer Syndrome; Tumor predisposition; Hereditary neoplastic syndrome. Identifiers: Orphanet 140162, MedGen C0027672, MeSH D009386, MONDO:0015356.

gnomAD v4.1: 2 of 1,614,214 alleles (0.00012%); highest among the groups gnomAD compares: Non-Finnish European, 0.00017%; no homozygotes.

Submissions (3):

Labcorp Genetics (formerly Invitae), Labcorp
Classification: Likely benign. Last evaluated: 2025-11-15. Review status: criteria provided, single submitter. Criteria: Invitae Variant Classification Sherloc (09022015). Collection method: clinical testing. Allele origin: germline.

Ambry Genetics
Classification: Likely benign for Hereditary cancer-predisposing syndrome. Last evaluated: 2018-07-09. Review status: criteria provided, single submitter. Criteria: Ambry Variant Classification Scheme 2023. Collection method: clinical testing. Allele origin: germline.

GeneDx
Classification: Likely benign. Last evaluated: 2016-11-28. Review status: criteria provided, single submitter. Criteria: GeneDx Variant Classification (06012015). Collection method: clinical testing. Allele origin: germline. Affected: yes.
Comment: This variant is considered likely benign or benign based on one or more of the following criteria: it is a conservative change, it occurs at a poorly conserved position in the protein, it is predicted to be benign by multiple in silico algorithms, and/or has population frequency not consistent with disease.

NM_006231.4(POLE):c.2610C>T (p.Asn870=)

Gene: POLE (DNA polymerase epsilon, catalytic subunit; minus strand). Cytogenetic location: 12q24.33.
Variant type: single nucleotide variant.
Coding change: c.2610C>T on transcript NM_006231.4 (MANE Select); coding-DNA position 2610, C replaced by T.
Protein change: p.Asn870=; no amino-acid change (asparagine 870 retained).
Molecular consequence: synonymous variant.
Genome position (GRCh38, 1-based): chr12:132,664,100, G>A on the plus strand (C>T on the coding strand, the complement: POLE is on the minus strand). VCF-style: chr12-132664100-G-A. GRCh37 (hg19) VCF-style: chr12-133240686-G-A.
Identifiers: ClinVar variation 391231 (VCV000391231.12), dbSNP rs1057524008, ClinGen allele CA16606167.